The following is an entry in ClinVar:

NM_018419.3(SOX18):c.229C>G (p.Arg77Gly)

Gene: SOX18 (SRY-box transcription factor 18; minus strand). Cytogenetic location: 20q13.33.
Variant type: single nucleotide variant.
Coding change: c.229C>G on transcript NM_018419.3 (MANE Select); coding-DNA position 229, C replaced by G.
Protein change: p.Arg77Gly; replaces arginine 77 with glycine.
Molecular consequence: missense variant.
Genome position (GRCh38, 1-based): chr20:64,049,288, G>C on the plus strand (C>G on the coding strand, the complement: SOX18 is on the minus strand). VCF-style: chr20-64049288-G-C. GRCh37 (hg19) VCF-style: chr20-62680641-G-C.
Other names: short protein forms R77G.
Identifiers: ClinVar variation 3714656 (VCV003714656.2).

ClinVar aggregate classification (germline): Uncertain significance (1 of 4 stars; one submission).

gnomAD v4.1: 2 of 1,497,582 alleles (0.00013%); highest among the groups gnomAD compares: East Asian, 0.003%; no homozygotes.

Submission:

Labcorp Genetics (formerly Invitae), Labcorp
Classification: Uncertain significance. Last evaluated: 2024-03-12. Review status: criteria provided, single submitter. Criteria: Invitae Variant Classification Sherloc (09022015). Collection method: clinical testing. Allele origin: germline.
Comment: This sequence change replaces arginine, which is basic and polar, with glycine, which is neutral and non-polar, at codon 77 of the SOX18 protein (p.Arg77Gly). This variant is present in population databases (rs765551896, gnomAD 0.01%). This variant has not been reported in the literature in individuals affected with SOX18-related conditions. Advanced modeling of protein sequence and biophysical properties (such as structural, functional, and spatial information, amino acid conservation, physicochemical variation, residue mobility, and thermodynamic stability) performed at Invitae indicates that this missense variant is not expected to disrupt SOX18 protein function with a negative predictive value of 80%. In summary, the available evidence is currently insufficient to determine the role of this variant in disease. Therefore, it has been classified as a Variant of Uncertain Significance.